The following is an entry in ClinVar:

NM_003086.4(SNAPC4):c.1154T>C (p.Met385Thr)

Gene: SNAPC4 (small nuclear RNA activating complex polypeptide 4; minus strand). Cytogenetic location: 9q34.3.
Variant type: single nucleotide variant.
Coding change: c.1154T>C on transcript NM_003086.4 (MANE Select); coding-DNA position 1154, T replaced by C.
Protein change: p.Met385Thr; replaces methionine 385 with threonine.
Molecular consequence: missense variant.
Genome position (GRCh38, 1-based): chr9:136,387,818, A>G on the plus strand (T>C on the coding strand, the complement: SNAPC4 is on the minus strand). VCF-style: chr9-136387818-A-G. GRCh37 (hg19) VCF-style: chr9-139282270-A-G.
Other names: c.1154T>C, p.Met385Thr (NM_001394201.1, NM_001394202.1, NM_001394203.1); short protein forms M385T.
Identifiers: ClinVar variation 4996131 (VCV004996131.1).
Genomic context (GRCh38, chr9:136,387,818, plus strand): 5'-GCCCAGTAACCCTTCTTCAGACCAGGATCCAAGCTCTTGGTCCATCGGTAGATCAGCTGC[A>G]TGGAGTCTCTCCCTTCCATATAGTAGACAACTAGGGACAGAGGAACAGGGAGGTCCTGTG-3'
Protein context (NP_003077.2, residues 375-395): IVYYMEGRDS[Met385Thr]QLIYRWTKSL

ClinVar aggregate classification (germline): Uncertain significance (1 of 4 stars; one submission).

Conditions:
SNAPC4 related condition.

gnomAD v4.1: 1 of 1,611,182 alleles (0.000062%); highest among the groups gnomAD compares: South Asian, 0.0011%; no homozygotes.

Submission:

PreventionGenetics, part of Exact Sciences
Classification: Uncertain significance for SNAPC4-related condition. Last evaluated: 2026-08-17. Review status: criteria provided, single submitter. Criteria: ACMG Guidelines, 2015. Collection method: clinical testing. Allele origin: germline.
Comment: The SNAPC4 c.1154T>C variant is predicted to result in the amino acid substitution p.Met385Thr. To our knowledge, this variant has not been reported in the literature or in a large population database (gnomAD), indicating this variant is rare. An adjacent variant, p.Gln386Arg, has been reported in compound heterozygous state in two siblings with NEDRSO (Frost et al. 2023. Pub Med ID: 36965478). At this time, the clinical significance of this variant is uncertain due to the absence of conclusive functional and genetic evidence.